The following is an entry in ClinVar:

NM_001271803.2(REEP2):c.149C>T (p.Thr50Met)

Gene: REEP2 (receptor accessory protein 2; plus strand). Cytogenetic location: 5q31.2.
Variant type: single nucleotide variant.
Coding change: c.149C>T on transcript NM_001271803.2 (MANE Select); coding-DNA position 149, C replaced by T.
Protein change: p.Thr50Met; replaces threonine 50 with methionine.
Molecular consequence: missense variant. On other transcripts: non-coding transcript variant (2).
Genome position (GRCh38, 1-based): chr5:138,441,428, C>T. VCF-style: chr5-138441428-C-T. GRCh37 (hg19) VCF-style: chr5-137777117-C-T.
Other names: c.149C>T, p.Thr50Met (NM_016606.4); short protein forms T50M.
Identifiers: ClinVar variation 3632730 (VCV003632730.2).

ClinVar aggregate classification (germline): Uncertain significance (1 of 4 stars; one submission).

Conditions:
Hereditary spastic paraplegia 72 (SPG72A). Also called: Spastic paraplegia 72, autosomal recessive. Identifiers: Orphanet 401849, MedGen C5882669, MONDO:0014282, OMIM 615625.

Submission:

Labcorp Genetics (formerly Invitae), Labcorp
Classification: Uncertain significance for Hereditary spastic paraplegia 72. Last evaluated: 2025-03-31. Review status: criteria provided, single submitter. Criteria: Invitae Variant Classification Sherloc (09022015). Collection method: clinical testing. Allele origin: germline.
Comment: This sequence change replaces threonine, which is neutral and polar, with methionine, which is neutral and non-polar, at codon 50 of the REEP2 protein (p.Thr50Met). This variant is present in population databases (rs753540317, gnomAD 0.002%). This variant has not been reported in the literature in individuals affected with REEP2-related conditions. An algorithm developed to predict the effect of missense changes on protein structure and function (PolyPhen-2) suggests that this variant is likely to be disruptive. In summary, the available evidence is currently insufficient to determine the role of this variant in disease. Therefore, it has been classified as a Variant of Uncertain Significance.